The following is an entry in ClinVar:

NM_019842.4(KCNQ5):c.1324G>T (p.Val442Leu)

Gene: KCNQ5 (potassium voltage-gated channel subfamily Q member 5; plus strand). Cytogenetic location: 6q13.
Variant type: single nucleotide variant.
Coding change: c.1324G>T on transcript NM_019842.4 (MANE Select); coding-DNA position 1324, G replaced by T.
Protein change: p.Val442Leu; replaces valine 442 with leucine.
Molecular consequence: missense variant. On other transcripts: intron variant (1).
Genome position (GRCh38, 1-based): chr6:73,133,497, G>T. VCF-style: chr6-73133497-G-T. GRCh37 (hg19) VCF-style: chr6-73843220-G-T.
Other names: c.1297G>T, p.Val433Leu (NM_001160130.2); c.1354G>T, p.Val452Leu (NM_001160132.2); c.1381G>T, p.Val461Leu (NM_001160133.2); c.1247+8985G>T (NM_001160134.2); short protein forms V442L, V452L, V461L, V433L.
Identifiers: ClinVar variation 3660327 (VCV003660327.2).

ClinVar aggregate classification (germline): Uncertain significance (1 of 4 stars; one submission).

Submission:

Labcorp Genetics (formerly Invitae), Labcorp
Classification: Uncertain significance. Last evaluated: 2024-07-23. Review status: criteria provided, single submitter. Criteria: Invitae Variant Classification Sherloc (09022015). Collection method: clinical testing. Allele origin: germline.
Comment: This sequence change replaces valine, which is neutral and non-polar, with leucine, which is neutral and non-polar, at codon 461 of the KCNQ5 protein (p.Val461Leu). This variant is not present in population databases (gnomAD no frequency). This variant has not been reported in the literature in individuals affected with KCNQ5-related conditions. Advanced modeling of protein sequence and biophysical properties (such as structural, functional, and spatial information, amino acid conservation, physicochemical variation, residue mobility, and thermodynamic stability) performed at Invitae indicates that this missense variant is not expected to disrupt KCNQ5 protein function with a negative predictive value of 80%. In summary, the available evidence is currently insufficient to determine the role of this variant in disease. Therefore, it has been classified as a Variant of Uncertain Significance.